The following is an entry in ClinVar:

NM_000059.4(BRCA2):c.8488-6_8504dup

Gene: BRCA2 (BRCA2 DNA repair associated; plus strand). Cytogenetic location: 13q13.1.
Variant type: Duplication.
Coding change: c.8488-6_8504dup on transcript NM_000059.4 (MANE Select); 6 bases into the intron before coding-DNA position 8488 through coding-DNA position 8504, 23 bases duplicated (TTACAGTGGATGGAGAAGACATC).
Molecular consequence: splice acceptor variant.
Genome position (GRCh38, 1-based): chr13:32,370,950-32,370,972, TTACAGTGGATGGAGAAGACATC duplicated. VCF-style (leftmost placement, unchanged base first): chr13-32370949-A-ATTACAGTGGATGGAGAAGACATC. GRCh37 (hg19) VCF-style: chr13-32945086-A-ATTACAGTGGATGGAGAAGACATC.
Other names: c.8488-6_8504dup (NM_001432077.1, NM_001406720.1); c.8392-6_8408dup (NM_001406719.1); c.3556-6_3572dup (NM_001406721.1); c.2071-6_2087dup (NM_001406722.1).
Identifiers: ClinVar variation 4842961 (VCV004842961.2).

ClinVar aggregate classification (germline): Likely pathogenic (1 of 4 stars; one submission).

Conditions:
Hereditary cancer-predisposing syndrome. Also called: Hereditary neoplastic syndrome; Neoplastic Syndromes, Hereditary; Tumor predisposition; Hereditary Cancer Syndrome. Identifiers: Orphanet 140162, MedGen C0027672, MeSH D009386, MONDO:0015356.

Submission:

Ambry Genetics
Classification: Likely pathogenic for Hereditary cancer-predisposing syndrome. Last evaluated: 2026-05-04. Review status: criteria provided, single submitter. Criteria: Ambry Variant Classification Scheme 2023. Collection method: clinical testing. Allele origin: germline.
Comment: The c.8488-6_8504dup23 variant results from a duplication of 23 nucleotides between positions c.8466-6 and c.8504 and involves the canonical splice acceptor site before coding exon 19 of the BRCA2 gene. This variant is considered to be rare based on population cohorts in the Genome Aggregation Database (gnomAD). The canonical splice acceptor site is highly conserved in available vertebrate species. In silico splice site analysis predicts that this alteration will weaken the native splice acceptor site and will result in the creation or strengthening of a novel splice acceptor site. RNA studies have demonstrated that this variant results in abnormal splicing in the set of samples tested (Ambry internal data). Based on the majority of available evidence to date, this variant is likely to be pathogenic.